The following is an entry in ClinVar:

NM_001130987.2(DYSF):c.2652G>A (p.Glu884=)

Gene: DYSF (dysferlin; plus strand). Cytogenetic location: 2p13.2.
Variant type: single nucleotide variant.
Coding change: c.2652G>A on transcript NM_001130987.2 (MANE Select); coding-DNA position 2652, G replaced by A.
Protein change: p.Glu884=; no amino-acid change (glutamic acid 884 retained).
Molecular consequence: synonymous variant.
Genome position (GRCh38, 1-based): chr2:71,568,037, G>A. VCF-style: chr2-71568037-G-A. GRCh37 (hg19) VCF-style: chr2-71795167-G-A.
Other names: c.2601G>A, p.Glu867= (NM_001130455.2, NM_001130983.2); c.2556G>A, p.Glu852= (NM_001130976.2, NM_001130977.2); c.2598G>A, p.Glu866= (NM_001130978.2, NM_003494.4); c.2691G>A, p.Glu897= (NM_001130979.2); c.2649G>A, p.Glu883= (NM_001130980.2, NM_001130981.2); c.2694G>A, p.Glu898= (NM_001130982.2); c.2559G>A, p.Glu853= (NM_001130984.2, NM_001130986.2); c.2652G>A, p.Glu884= (NM_001130985.2).
Identifiers: ClinVar variation 509019 (VCV000509019.4), dbSNP rs1221035313, ClinGen allele CA426701809.

ClinVar aggregate classification (germline): Likely benign. Review status: criteria provided, multiple submitters, no conflicts (2 of 4 stars). 2 submissions from 2 submitters: Likely benign (2). Last evaluated 2025-01-26.

Conditions:
Neuromuscular disease caused by qualitative or quantitative defects of dysferlin. Also called: Dysferlinopathy; Qualitative or quantitative defects of dysferlin. Identifiers: Orphanet 207073, MedGen C2931687, MONDO:0016145.

gnomAD v4.1: 1 of 1,614,210 alleles (0.000062%); highest among the groups gnomAD compares: Non-Finnish European, 0.000085%; no homozygotes.

Submissions (2):

Labcorp Genetics (formerly Invitae), Labcorp
Classification: Likely benign for Neuromuscular disease caused by qualitative or quantitative defects of dysferlin. Last evaluated: 2025-01-26. Review status: criteria provided, single submitter. Criteria: Invitae Variant Classification Sherloc (09022015). Collection method: clinical testing. Allele origin: germline.

GeneDx
Classification: Likely benign. Last evaluated: 2017-04-17. Review status: criteria provided, single submitter. Criteria: GeneDx Variant Classification (06012015). Collection method: clinical testing. Allele origin: germline. Affected: yes.
Comment: This variant is considered likely benign or benign based on one or more of the following criteria: it is a conservative change, it occurs at a poorly conserved position in the protein, it is predicted to be benign by multiple in silico algorithms, and/or has population frequency not consistent with disease.